The following is an entry in ClinVar:

ClinVar aggregate classification (germline): Likely benign (0 of 4 stars; one submission).

Conditions:
EP300-related disorder. Also called: EP300-related disorders; EP300-related condition.

gnomAD v4.1: 13 of 1,613,954 alleles (0.00081%); highest among the groups gnomAD compares: African/African-American, 0.0013%; no homozygotes.

Submission:

PreventionGenetics, part of Exact Sciences
Classification: Likely benign for EP300-related condition. Last evaluated: 2021-06-14. Review status: no assertion criteria provided. Collection method: clinical testing. Allele origin: germline.
Comment: This variant is classified as likely benign based on ACMG/AMP sequence variant interpretation guidelines (Richards et al. 2015 PMID: 25741868, with internal and published modifications).

NM_001429.4(EP300):c.5430G>A (p.Lys1810=)

Gene: EP300 (E1A binding protein p300; plus strand). Cytogenetic location: 22q13.2.
Variant type: single nucleotide variant.
Coding change: c.5430G>A on transcript NM_001429.4 (MANE Select); coding-DNA position 5430, G replaced by A.
Protein change: p.Lys1810=; no amino-acid change (lysine 1810 retained).
Molecular consequence: synonymous variant.
Genome position (GRCh38, 1-based): chr22:41,177,141, G>A. VCF-style: chr22-41177141-G-A. GRCh37 (hg19) VCF-style: chr22-41573145-G-A.
Other names: c.5352G>A, p.Lys1784= (NM_001362843.2).
Identifiers: ClinVar variation 3356525 (VCV003356525.1).